The following is an entry in ClinVar:

NC_000019.9:g.(?_1206913)_(3771740_?)dup

Genes: JSRP1 (junctional sarcoplasmic reticulum protein 1; minus strand), KLF16 (KLF transcription factor 16; minus strand), LSM7 (LSM7 homolog, U6 small nuclear RNA and mRNA degradation associated; minus strand), MKNK2 (MAPK interacting serine/threonine kinase 2; minus strand), MOB3A (MOB kinase activator 3A; minus strand) and 77 more. Cytogenetic location: 19p13.3.
Variant type: Duplication.
Identifiers: ClinVar variation 2445494 (VCV002445494.1).

ClinVar aggregate classification (germline): Uncertain significance (1 of 4 stars; one submission).

Submission:

Labcorp Genetics (formerly Invitae), Labcorp
Classification: Uncertain significance. Last evaluated: 2022-06-01. Review status: criteria provided, single submitter. Criteria: Invitae Variant Classification Sherloc (09022015). Collection method: clinical testing. Allele origin: germline.
Comment: A copy number gain of the genomic region encompassing the full coding sequence of the AP3D1 gene has been identified. The boundaries of this event are unknown as they extend beyond the assayed region for this gene and therefore may encompass additional genes. As the precise location of this event is unknown, it may be in tandem or it may be located elsewhere in the genome. This variant has not been reported in the literature in individuals affected with AP3D1-related conditions. In summary, the available evidence is currently insufficient to determine the role of this variant in disease. Therefore, it has been classified as a Variant of Uncertain Significance.